The following is an entry in ClinVar:

ClinVar aggregate classification (germline): Likely benign. Review status: criteria provided, single submitter (1 of 4 stars). 2 submissions from 2 submitters: Likely benign (1). 1 of the submissions does not count toward it. Last evaluated 2024-10-11.

Conditions:
ABCA4-related disorder. Also called: ABCA4-related disorders; ABCA4-related condition. Identifiers: MedGen CN239167.

Submissions (2):

Blueprint Genetics
Classification: Likely benign. Last evaluated: 2024-10-11. Review status: criteria provided, single submitter. Criteria: ACMG Guidelines, 2015. Collection method: clinical testing. Allele origin: germline.

PreventionGenetics, part of Exact Sciences
Classification: Benign for ABCA4-related condition. Last evaluated: 2022-11-04. Review status: no assertion criteria provided. Collection method: clinical testing. Allele origin: germline. Not counted in ClinVar's aggregate classification.
Comment: This variant is classified as benign based on ACMG/AMP sequence variant interpretation guidelines (Richards et al. 2015 PMID: 25741868, with internal and published modifications).

NM_000350.3(ABCA4):c.859-529GTT[5]

Gene: ABCA4 (ATP binding cassette subfamily A member 4; minus strand). Cytogenetic location: 1p22.1.
Variant type: Microsatellite.
Coding change: c.859-529GTT[5] on transcript NM_000350.3 (MANE Select); five copies in a row of the 3-base unit GTT starting at c.859-529; the reference has seven copies in a row; two copies, 6 bases deleted.
Molecular consequence: intron variant.
Genome position (GRCh38, 1-based): chr1:94,081,227-94,081,232, AACAAC deleted on the plus strand (GTTGTT on the coding strand, the reverse complement: ABCA4 is on the minus strand); deleting any 6 consecutive bases within chr1:94,081,227-94,081,249 gives the same sequence; the position shown is the placement nearest the transcript's 3' end. VCF-style (leftmost placement, unchanged base first): chr1-94081226-AAACAAC-A. GRCh37 (hg19) VCF-style: chr1-94546782-AAACAAC-A.
Identifiers: ClinVar variation 3030638 (VCV003030638.3), dbSNP rs371923043, ClinGen allele CA26871456.